The following is an entry in ClinVar:

NM_000051.4(ATM):c.8400G>A (p.Gln2800=)

Genes: ATM (ATM serine/threonine kinase; plus strand), C11orf65 (chromosome 11 open reading frame 65; minus strand). Cytogenetic location: 11q22.3.
Variant type: single nucleotide variant.
Coding change: c.8400G>A on transcript NM_000051.4 (MANE Select); coding-DNA position 8400, G replaced by A.
Protein change: p.Gln2800=; no amino-acid change (glutamine 2800 retained).
Molecular consequence: synonymous variant. On other transcripts: intron variant (2).
Genome position (GRCh38, 1-based): chr11:108,343,353, G>A. VCF-style: chr11-108343353-G-A. GRCh37 (hg19) VCF-style: chr11-108214080-G-A.
Other names: c.8400G>A, p.Gln2800= (NM_001351834.2); c.641-34282C>T (NM_001330368.2); c.695-8061C>T (NM_001351110.2).
Identifiers: ClinVar variation 2750241 (VCV002750241.4), dbSNP rs879253901, ClinGen allele CA476672759.

ClinVar aggregate classification (germline): Benign/Likely benign. Review status: criteria provided, multiple submitters, no conflicts (2 of 4 stars). 2 submissions from 2 submitters: Benign (1); Likely benign (1). Last evaluated 2024-06-19.

Conditions:
Ataxia-telangiectasia syndrome (AT). Also called: LOUIS-BAR SYNDROME; Cerebello-oculocutaneous telangiectasia; Immunodeficiency with ataxia telangiectasia; Ataxia telangiectasia (A-T); Ataxia-telangiectasia, complementation group D; AT, COMPLEMENTATION GROUP C. Identifiers: Orphanet 100, MedGen C0004135, MONDO:0008840, OMIM 208900.
Familial cancer of breast. Also called: BREAST CANCER, FAMILIAL; Hereditary breast cancer; hereditary breast carcinoma. Identifiers: Orphanet 227535, MedGen C0346153, MONDO:0016419, OMIM 114480. Disease mechanism: loss of function.

Submissions (2):

Myriad Genetics, Inc.
Classification: Benign for Familial cancer of breast. Last evaluated: 2024-06-19. Review status: criteria provided, single submitter. Criteria: Myriad Autosomal Dominant, Autosomal Recessive and X-Linked Classification Criteria (2023). Collection method: clinical testing. Allele origin: unknown.
Comment: This variant is considered benign. This variant is a silent/synonymous amino acid change and it is not expected to impact splicing.

Labcorp Genetics (formerly Invitae), Labcorp
Classification: Likely benign for Ataxia-telangiectasia syndrome. Last evaluated: 2023-08-04. Review status: criteria provided, single submitter. Criteria: Invitae Variant Classification Sherloc (09022015). Collection method: clinical testing. Allele origin: germline.